The following is an entry in ClinVar:

ClinVar aggregate classification (germline): Uncertain significance (1 of 4 stars; one submission).

Allele frequency attached by ClinVar (database versions not stated): gnomAD exomes below 0.00001.
gnomAD v4.1: 1 of 1,604,370 alleles (0.000062%); highest among the groups gnomAD compares: Non-Finnish European, 0.000085%; no homozygotes.

Submission:

Labcorp Genetics (formerly Invitae), Labcorp
Classification: Uncertain significance. Last evaluated: 2025-04-16. Review status: criteria provided, single submitter. Criteria: Invitae Variant Classification Sherloc (09022015). Collection method: clinical testing. Allele origin: germline.
Comment: This sequence change replaces serine, which is neutral and polar, with asparagine, which is neutral and polar, at codon 791 of the ADGRA3 protein (p.Ser791Asn). This variant is present in population databases (rs777181294, gnomAD 0.007%). This variant has not been reported in the literature in individuals affected with ADGRA3-related conditions. ClinVar contains an entry for this variant (Variation ID: 1375696). An algorithm developed to predict the effect of missense changes on protein structure and function (PolyPhen-2) suggests that this variant is likely to be disruptive. In summary, the available evidence is currently insufficient to determine the role of this variant in disease. Therefore, it has been classified as a Variant of Uncertain Significance.

NM_145290.4(ADGRA3):c.2372G>A (p.Ser791Asn)

Gene: ADGRA3 (adhesion G protein-coupled receptor A3; minus strand). Cytogenetic location: 4p15.2.
Variant type: single nucleotide variant.
Coding change: c.2372G>A on transcript NM_145290.4 (MANE Select); coding-DNA position 2372, G replaced by A.
Protein change: p.Ser791Asn; replaces serine 791 with asparagine.
Molecular consequence: missense variant.
Genome position (GRCh38, 1-based): chr4:22,401,540, C>T on the plus strand (G>A on the coding strand, the complement: ADGRA3 is on the minus strand). VCF-style: chr4-22401540-C-T. GRCh37 (hg19) VCF-style: chr4-22403163-C-T.
Other names: short protein forms S791N.
Identifiers: ClinVar variation 1375696 (VCV001375696.6), dbSNP rs777181294, ClinGen allele CA93494286.